The following is an entry in ClinVar:

ClinVar aggregate classification (germline): Uncertain significance. Review status: criteria provided, multiple submitters, no conflicts (2 of 4 stars). 3 submissions from 3 submitters: Uncertain significance (3). Last evaluated 2023-10-04.

Conditions:
Inborn genetic diseases. Identifiers: MedGen C0950123, MeSH D030342.
Nemaline myopathy 2 (NEM2). Also called: Nemaline myopathy 2, autosomal recessive. Identifiers: MedGen C1850569, MONDO:0009725, OMIM 256030.

Allele frequency attached by ClinVar (database versions not stated): gnomAD exomes below 0.00001; TOPMed below 0.00001; gnomAD 0.00001.
gnomAD v4.1: 3 of 1,613,090 alleles (0.00019%); highest among the groups gnomAD compares: Admixed American, 0.0033%; no homozygotes.

Submissions (3):

Ambry Genetics
Classification: Uncertain significance for Inborn genetic diseases. Last evaluated: 2023-10-04. Review status: criteria provided, single submitter. Criteria: Ambry Variant Classification Scheme 2023. Collection method: clinical testing. Allele origin: germline.

Labcorp Genetics (formerly Invitae), Labcorp
Classification: Uncertain significance for Nemaline myopathy 2. Last evaluated: 2021-08-05. Review status: criteria provided, single submitter. Criteria: Invitae Variant Classification Sherloc (09022015). Collection method: clinical testing. Allele origin: germline.
Comment: This sequence change replaces proline with threonine at codon 7020 of the NEB protein (p.Pro7020Thr). The proline residue is moderately conserved and there is a small physicochemical difference between proline and threonine. This variant is not present in population databases (ExAC no frequency). This variant has not been reported in the literature in individuals affected with NEB-related conditions. Algorithms developed to predict the effect of missense changes on protein structure and function are either unavailable or do not agree on the potential impact of this missense change (SIFT: "Deleterious"; PolyPhen-2: "Not Available"; Align-GVGD: "Class C0"). In summary, the available evidence is currently insufficient to determine the role of this variant in disease. Therefore, it has been classified as a Variant of Uncertain Significance.

Revvity Omics, Revvity
Classification: Uncertain significance. Last evaluated: 2019-06-18. Review status: criteria provided, single submitter. Criteria: ACMG Guidelines, 2015. Collection method: clinical testing. Allele origin: germline.

NM_001164508.2(NEB):c.21058C>A (p.Pro7020Thr)

Gene: NEB (nebulin; minus strand). Cytogenetic location: 2q23.3.
Variant type: single nucleotide variant.
Coding change: c.21058C>A on transcript NM_001164508.2 (MANE Select); coding-DNA position 21058, C replaced by A.
Protein change: p.Pro7020Thr; replaces proline 7020 with threonine.
Molecular consequence: missense variant.
Genome position (GRCh38, 1-based): chr2:151,537,916, G>T on the plus strand (C>A on the coding strand, the complement: NEB is on the minus strand). VCF-style: chr2-151537916-G-T. GRCh37 (hg19) VCF-style: chr2-152394430-G-T.
Other names: c.15955C>A (NM_004543.4); c.21058C>A, p.Pro7020Thr (NM_001164507.2, NM_001271208.2); c.15955C>A, p.Pro5319Thr (NM_004543.5); short protein forms P5319T, P7020T.
Identifiers: ClinVar variation 1906176 (VCV001906176.6), dbSNP rs1173930790, ClinGen allele CA348775861.